The following is an entry in ClinVar:

ClinVar aggregate classification (germline): Uncertain significance (1 of 4 stars; one submission).

Conditions:
Hereditary cancer-predisposing syndrome. Also called: Neoplastic Syndromes, Hereditary; Hereditary Cancer Syndrome; Hereditary neoplastic syndrome; Tumor predisposition. Identifiers: Orphanet 140162, MedGen C0027672, MeSH D009386, MONDO:0015356.

Submission:

Ambry Genetics
Classification: Uncertain significance for Hereditary cancer-predisposing syndrome. Last evaluated: 2023-03-30. Review status: criteria provided, single submitter. Criteria: Ambry Variant Classification Scheme 2023. Collection method: clinical testing. Allele origin: germline.
Comment: The p.E642K variant (also known as c.1924G>A), located in coding exon 16 of the MRE11A gene, results from a G to A substitution at nucleotide position 1924. The glutamic acid at codon 642 is replaced by lysine, an amino acid with similar properties. This amino acid position is conserved. In addition, this alteration is predicted to be deleterious by in silico analysis. Since supporting evidence is limited at this time, the clinical significance of this alteration remains unclear.

NM_005591.4(MRE11):c.1924G>A (p.Glu642Lys)

Gene: MRE11 (MRE11 double strand break repair nuclease; minus strand). Cytogenetic location: 11q21.
Variant type: single nucleotide variant.
Coding change: c.1924G>A on transcript NM_005591.4 (MANE Select); coding-DNA position 1924, G replaced by A.
Protein change: p.Glu642Lys; replaces glutamic acid 642 with lysine.
Molecular consequence: missense variant.
Genome position (GRCh38, 1-based): chr11:94,437,179, C>T on the plus strand (G>A on the coding strand, the complement: MRE11 is on the minus strand). VCF-style: chr11-94437179-C-T. GRCh37 (hg19) VCF-style: chr11-94170345-C-T.
Other names: c.1921G>A, p.Glu641Lys (NM_001330347.2); c.1840G>A, p.Glu614Lys (NM_005590.4); short protein forms E641K, E642K, E614K.
Identifiers: ClinVar variation 2565892 (VCV002565892.2), dbSNP rs2496219446, ClinGen allele CA382374586.